The following is an entry in ClinVar:

ClinVar aggregate classification (germline): Uncertain significance (1 of 4 stars; one submission).

Conditions:
Inborn genetic diseases. Identifiers: MedGen C0950123, MeSH D030342.

gnomAD v4.1: 7 of 1,579,458 alleles (0.00044%); highest among the groups gnomAD compares: Middle Eastern, 0.017%; no homozygotes.

Submission:

Ambry Genetics
Classification: Uncertain significance for Inborn genetic diseases. Last evaluated: 2026-08-13. Review status: criteria provided, single submitter. Criteria: Ambry Variant Classification Scheme 2023. Collection method: clinical testing. Allele origin: germline.
Comment: The c.521C>T (p.T174I) alteration is located in exon 3 (coding exon 3) of the CHD3 gene. This alteration results from a C to T substitution at nucleotide position 521, causing the threonine (T) at amino acid position 174 to be replaced by an isoleucine (I). Based on data from gnomAD, the T allele has an overall frequency of <0.001% (1/220918) total alleles studied. The highest observed frequency was 0.008% (1/13202) of African alleles. Based on insufficient or conflicting evidence, the clinical significance of this alteration remains unclear.

NM_001005273.3(CHD3):c.344C>T (p.Thr115Ile)

Gene: CHD3 (chromodomain helicase DNA binding protein 3; plus strand). Cytogenetic location: 17p13.1.
Variant type: single nucleotide variant.
Coding change: c.344C>T on transcript NM_001005273.3 (MANE Select); coding-DNA position 344, C replaced by T.
Protein change: p.Thr115Ile; replaces threonine 115 with isoleucine.
Molecular consequence: missense variant.
Genome position (GRCh38, 1-based): chr17:7,890,701, C>T. VCF-style: chr17-7890701-C-T. GRCh37 (hg19) VCF-style: chr17-7794019-C-T.
Other names: c.521C>T, p.Thr174Ile (NM_001005271.3, NM_001437504.1, NM_001437507.1 and 2 more transcripts); c.344C>T, p.Thr115Ile (NM_005852.4); short protein forms T115I, T174I.
Identifiers: ClinVar variation 5034498 (VCV005034498.1).